The following is an entry in ClinVar:

ClinVar aggregate classification (germline): Uncertain significance (1 of 4 stars; one submission).

Conditions:
Hajdu-Cheney syndrome (HJCYS). Also called: ACROOSTEOLYSIS WITH OSTEOPOROSIS AND CHANGES IN SKULL AND MANDIBLE; Acroosteolysis dominant type; SERPENTINE FIBULA-POLYCYSTIC KIDNEY SYNDROME. Identifiers: Orphanet 955, MedGen C0917715, MONDO:0007057, OMIM 102500.

gnomAD v4.1: 8 of 1,614,042 alleles (0.0005%); highest among the groups gnomAD compares: African/African-American, 0.004%; no homozygotes.

Submission:

Labcorp Genetics (formerly Invitae), Labcorp
Classification: Uncertain significance for Hajdu-Cheney syndrome. Last evaluated: 2026-01-04. Review status: criteria provided, single submitter. Criteria: Invitae Variant Classification Sherloc (09022015). Collection method: clinical testing. Allele origin: germline.
Comment: This sequence change replaces serine, which is neutral and polar, with leucine, which is neutral and non-polar, at codon 1407 of the NOTCH2 protein (p.Ser1407Leu). This variant is present in population databases (no rsID available, gnomAD 0.008%). This variant has not been reported in the literature in individuals affected with NOTCH2-related conditions. Invitae Evidence Modeling of protein sequence and biophysical properties (such as structural, functional, and spatial information, amino acid conservation, physicochemical variation, residue mobility, and thermodynamic stability) indicates that this missense variant is not expected to disrupt NOTCH2 protein function with a negative predictive value of 80%. In summary, the available evidence is currently insufficient to determine the role of this variant in disease. Therefore, it has been classified as a Variant of Uncertain Significance.

NM_024408.4(NOTCH2):c.4220C>T (p.Ser1407Leu)

Gene: NOTCH2 (notch receptor 2; minus strand). Cytogenetic location: 1p12.
Variant type: single nucleotide variant.
Coding change: c.4220C>T on transcript NM_024408.4 (MANE Select); coding-DNA position 4220, C replaced by T.
Protein change: p.Ser1407Leu; replaces serine 1407 with leucine.
Molecular consequence: missense variant.
Genome position (GRCh38, 1-based): chr1:119,925,596, G>A on the plus strand (C>T on the coding strand, the complement: NOTCH2 is on the minus strand). VCF-style: chr1-119925596-G-A. GRCh37 (hg19) VCF-style: chr1-120468219-G-A.
Other names: short protein forms S1407L.
Identifiers: ClinVar variation 4747747 (VCV004747747.1).
Genomic context (GRCh38, chr1:119,925,596, plus strand): 5'-CTCAGACAGGTGGCAGGAGGGGTGCTGGGGGGTGCCGTGTAGAGTTCACAGCGGCTACCC[G>A]AGAATGGTGGGGCACACTGGCAGGAGTAATAAGGAGGCTGGCGCTGAGGGTGGCAGCTGC-3'
Protein context (NP_077719.2, residues 1397-1417): YYSCQCAPPF[Ser1407Leu]GSRCELYTAP